The following is an entry in ClinVar:

NM_078629.4(MSL3):c.278G>A (p.Arg93His)

Gene: MSL3 (MSL complex subunit 3; plus strand). Cytogenetic location: Xp22.2.
Variant type: single nucleotide variant.
Coding change: c.278G>A on transcript NM_078629.4 (MANE Select); coding-DNA position 278, G replaced by A.
Protein change: p.Arg93His; replaces arginine 93 with histidine.
Molecular consequence: missense variant. On other transcripts: 5 prime UTR variant (2).
Genome position (GRCh38, 1-based): chrX:11,760,495, G>A. VCF-style: chrX-11760495-G-A. GRCh37 (hg19) VCF-style: chrX-11778614-G-A.
Other names: c.278G>A (NM_078629.3); c.242G>A, p.Arg81His (NM_001193270.2); c.-87G>A (NM_001282174.1); c.-221G>A (NM_006800.4); c.278G>A, p.Arg93His (NM_078628.2); short protein forms R81H, R93H.
Identifiers: ClinVar variation 2143524 (VCV002143524.5), dbSNP rs753517099, ClinGen allele CA10348748.

ClinVar aggregate classification (germline): Uncertain significance. Review status: criteria provided, multiple submitters, no conflicts (2 of 4 stars). 2 submissions from 2 submitters: Uncertain significance (2). Last evaluated 2025-01-11.

Conditions:
Inborn genetic diseases. Identifiers: MedGen C0950123, MeSH D030342.

Allele frequency attached by ClinVar (database versions not stated): gnomAD exomes below 0.00001; ExAC 0.00001; TOPMed 0.00002.
gnomAD v4.1: 5 of 1,177,373 alleles (0.00042%); highest among the groups gnomAD compares: Non-Finnish European, 0.00034%; no homozygotes.

Submissions (2):

Ambry Genetics
Classification: Uncertain significance for Inborn genetic diseases. Last evaluated: 2025-01-11. Review status: criteria provided, single submitter. Criteria: Ambry Variant Classification Scheme 2023. Collection method: clinical testing. Allele origin: germline.

Labcorp Genetics (formerly Invitae), Labcorp
Classification: Uncertain significance. Last evaluated: 2022-07-18. Review status: criteria provided, single submitter. Criteria: Invitae Variant Classification Sherloc (09022015). Collection method: clinical testing. Allele origin: germline.
Comment: Algorithms developed to predict the effect of missense changes on protein structure and function are either unavailable or do not agree on the potential impact of this missense change (SIFT: "Tolerated"; PolyPhen-2: "Probably Damaging"; Align-GVGD: "Class C0"). This sequence change replaces arginine, which is basic and polar, with histidine, which is basic and polar, at codon 93 of the MSL3 protein (p.Arg93His). The frequency data for this variant in the population databases is considered unreliable, as metrics indicate poor data quality at this position in the gnomAD database. This variant has not been reported in the literature in individuals affected with MSL3-related conditions. In summary, the available evidence is currently insufficient to determine the role of this variant in disease. Therefore, it has been classified as a Variant of Uncertain Significance.